The following is an entry in ClinVar:

ClinVar aggregate classification (germline): Uncertain significance (1 of 4 stars; one submission).

Submission:

GeneDx
Classification: Uncertain significance. Last evaluated: 2021-04-05. Review status: criteria provided, single submitter. Criteria: GeneDx Variant Classification Process June 2021. Collection method: clinical testing. Allele origin: germline. Affected: yes.
Comment: Not observed in large population cohorts (Lek et al., 2016); In silico analysis supports that this missense variant does not alter protein structure/function; Has not been previously published as pathogenic or benign to our knowledge

NM_152296.5(ATP1A3):c.1972A>G (p.Thr658Ala)

Gene: ATP1A3 (ATPase Na+/K+ transporting subunit alpha 3; minus strand). Cytogenetic location: 19q13.2.
Variant type: single nucleotide variant.
Coding change: c.1972A>G on transcript NM_152296.5 (MANE Select); coding-DNA position 1972, A replaced by G.
Protein change: p.Thr658Ala; replaces threonine 658 with alanine.
Molecular consequence: missense variant.
Genome position (GRCh38, 1-based): chr19:41,976,538, T>C on the plus strand (A>G on the coding strand, the complement: ATP1A3 is on the minus strand). VCF-style: chr19-41976538-T-C. GRCh37 (hg19) VCF-style: chr19-42480690-T-C.
Other names: c.2005A>G, p.Thr669Ala (NM_001256213.2); c.2011A>G, p.Thr671Ala (NM_001256214.2); short protein forms T658A, T669A, T671A.
Identifiers: ClinVar variation 1314303 (VCV001314303.2), dbSNP rs2145961659, ClinGen allele CA406043489.